The following is an entry in ClinVar:

ClinVar aggregate classification (germline): Uncertain significance (1 of 4 stars; one submission).

Conditions:
Ataxia-telangiectasia syndrome (AT). Also called: ATAXIA-TELANGIECTASIA, COMPLEMENTATION GROUP A; ATAXIA-TELANGIECTASIA, FRESNO VARIANT; Ataxia-telangiectasia; Ataxia-telangiectasia, complementation group E; LOUIS-BAR SYNDROME; Cerebello-oculocutaneous telangiectasia. Identifiers: Orphanet 100, MedGen C0004135, MONDO:0008840, OMIM 208900.

Submission:

Labcorp Genetics (formerly Invitae), Labcorp
Classification: Uncertain significance for Ataxia-telangiectasia syndrome. Last evaluated: 2025-08-01. Review status: criteria provided, single submitter. Criteria: Invitae Variant Classification Sherloc (09022015). Collection method: clinical testing. Allele origin: germline.
Comment: This sequence change replaces isoleucine, which is neutral and non-polar, with phenylalanine, which is neutral and non-polar, at codon 2948 of the ATM protein (p.Ile2948Phe). This variant is not present in population databases (gnomAD no frequency). This variant has not been reported in the literature in individuals affected with ATM-related conditions. ClinVar contains an entry for this variant (Variation ID: 2955201). Invitae Evidence Modeling of protein sequence and biophysical properties (such as structural, functional, and spatial information, amino acid conservation, physicochemical variation, residue mobility, and thermodynamic stability) indicates that this missense variant is expected to disrupt ATM protein function with a positive predictive value of 95%. In summary, the available evidence is currently insufficient to determine the role of this variant in disease. Therefore, it has been classified as a Variant of Uncertain Significance.

NM_000051.4(ATM):c.8842A>T (p.Ile2948Phe)

Genes: ATM (ATM serine/threonine kinase; plus strand), C11orf65 (chromosome 11 open reading frame 65; minus strand). Cytogenetic location: 11q22.3.
Variant type: single nucleotide variant.
Coding change: c.8842A>T on transcript NM_000051.4 (MANE Select); coding-DNA position 8842, A replaced by T.
Protein change: p.Ile2948Phe; replaces isoleucine 2948 with phenylalanine.
Molecular consequence: missense variant. On other transcripts: intron variant (2).
Genome position (GRCh38, 1-based): chr11:108,354,866, A>T. VCF-style: chr11-108354866-A-T. GRCh37 (hg19) VCF-style: chr11-108225593-A-T.
Other names: c.8842A>T, p.Ile2948Phe (NM_001351834.2); c.640+31054T>A (NM_001330368.2); c.695-19574T>A (NM_001351110.2); short protein forms I2948F.
Identifiers: ClinVar variation 2955201 (VCV002955201.3), dbSNP rs1333760745, ClinGen allele CA382526072.